The following is an entry in ClinVar:

NM_000098.3(CPT2):c.573C>G (p.Leu191=)

Gene: CPT2 (carnitine palmitoyltransferase 2; plus strand). Cytogenetic location: 1p32.3.
Variant type: single nucleotide variant.
Coding change: c.573C>G on transcript NM_000098.3 (MANE Select); coding-DNA position 573, C replaced by G.
Protein change: p.Leu191=; no amino-acid change (leucine 191 retained).
Molecular consequence: synonymous variant.
Genome position (GRCh38, 1-based): chr1:53,210,247, C>G. VCF-style: chr1-53210247-C-G. GRCh37 (hg19) VCF-style: chr1-53675919-C-G.
Other names: c.573C>G, p.Leu191= (NM_001330589.2).
Identifiers: ClinVar variation 3034077 (VCV003034077.2), dbSNP rs2100272098, ClinGen allele CA417874781.

ClinVar aggregate classification (germline): Likely benign (0 of 4 stars; one submission).

Conditions:
CPT2-related disorder. Also called: CPT2-related condition.

Submission:

PreventionGenetics, part of Exact Sciences
Classification: Likely benign for CPT2-related condition. Last evaluated: 2024-01-24. Review status: no assertion criteria provided. Collection method: clinical testing. Allele origin: germline.
Comment: This variant is classified as likely benign based on ACMG/AMP sequence variant interpretation guidelines (Richards et al. 2015 PMID: 25741868, with internal and published modifications).